The following is an entry in ClinVar:

NM_001367624.2(ZNF469):c.455C>T (p.Thr152Ile)

Gene: ZNF469 (zinc finger protein 469; plus strand). Cytogenetic location: 16q24.2.
Variant type: single nucleotide variant.
Coding change: c.455C>T on transcript NM_001367624.2 (MANE Select); coding-DNA position 455, C replaced by T.
Protein change: p.Thr152Ile; replaces threonine 152 with isoleucine.
Molecular consequence: missense variant.
Genome position (GRCh38, 1-based): chr16:88,427,925, C>T. VCF-style: chr16-88427925-C-T. GRCh37 (hg19) VCF-style: chr16-88494333-C-T.
Other names: NM_001127464.1:c.455C>T; short protein forms T152I.
Identifiers: ClinVar variation 1741479 (VCV001741479.2), dbSNP rs1412045916, ClinGen allele CA397060002.

ClinVar aggregate classification (germline): Uncertain significance (1 of 4 stars; one submission).

Conditions:
Cardiovascular phenotype. Identifiers: MedGen CN230736.

Allele frequency attached by ClinVar (database versions not stated): TOPMed below 0.00001.
gnomAD v4.1: 6 of 1,549,862 alleles (0.00039%); highest among the groups gnomAD compares: African/African-American, 0.0027%; no homozygotes.

Submission:

Ambry Genetics
Classification: Uncertain significance for Cardiovascular phenotype. Last evaluated: 2022-05-30. Review status: criteria provided, single submitter. Criteria: Ambry Variant Classification Scheme 2023. Collection method: clinical testing. Allele origin: germline.
Comment: The p.T152I variant (also known as c.455C>T), located in coding exon 1 of the ZNF469 gene, results from a C to T substitution at nucleotide position 455. The threonine at codon 152 is replaced by isoleucine, an amino acid with similar properties. This amino acid position is conserved. In addition, this alteration is predicted to be tolerated by in silico analysis. Since supporting evidence is limited at this time, the clinical significance of this alteration remains unclear.